The following is an entry in ClinVar:

NM_000124.4(ERCC6):c.2819C>T (p.Thr940Met)

Genes: ERCC6 (ERCC excision repair 6, chromatin remodeling factor; minus strand), LOC126860933 (BRD4-independent group 4 enhancer GRCh37_chr10:50679962-50681161; plus strand). Cytogenetic location: 10q11.23.
Variant type: single nucleotide variant.
Coding change: c.2819C>T on transcript NM_000124.4 (MANE Select); coding-DNA position 2819, C replaced by T.
Protein change: p.Thr940Met; replaces threonine 940 with methionine.
Molecular consequence: missense variant.
Genome position (GRCh38, 1-based): chr10:49,472,919, G>A on the plus strand (C>T on the coding strand, the complement: ERCC6 is on the minus strand). VCF-style: chr10-49472919-G-A. GRCh37 (hg19) VCF-style: chr10-50680965-G-A.
Other names: c.2819C>T (NM_000124.2); c.2819C>T, p.Thr940Met (NM_001346440.2); short protein forms T940M.
Identifiers: ClinVar variation 1414947 (VCV001414947.4), dbSNP rs776004687, ClinGen allele CA5495529.

ClinVar aggregate classification (germline): Uncertain significance. Review status: criteria provided, multiple submitters, no conflicts (2 of 4 stars). 2 submissions from 2 submitters: Uncertain significance (2). Last evaluated 2022-10-24.

Conditions:
Inborn genetic diseases. Identifiers: MedGen C0950123, MeSH D030342.

Allele frequency attached by ClinVar (database versions not stated): ExAC 0.00002; gnomAD exomes 0.00003.
gnomAD v4.1: 58 of 1,613,530 alleles (0.0036%); highest among the groups gnomAD compares: Admixed American, 0.047%; no homozygotes.

Submissions (2):

Labcorp Genetics (formerly Invitae), Labcorp
Classification: Uncertain significance. Last evaluated: 2022-10-24. Review status: criteria provided, single submitter. Criteria: Invitae Variant Classification Sherloc (09022015). Collection method: clinical testing. Allele origin: germline.
Comment: This sequence change replaces threonine, which is neutral and polar, with methionine, which is neutral and non-polar, at codon 940 of the ERCC6 protein (p.Thr940Met). This variant is present in population databases (rs776004687, gnomAD 0.04%). This variant has not been reported in the literature in individuals affected with ERCC6-related conditions. ClinVar contains an entry for this variant (Variation ID: 1414947). Advanced modeling of protein sequence and biophysical properties (such as structural, functional, and spatial information, amino acid conservation, physicochemical variation, residue mobility, and thermodynamic stability) performed at Invitae indicates that this missense variant is not expected to disrupt ERCC6 protein function. In summary, the available evidence is currently insufficient to determine the role of this variant in disease. Therefore, it has been classified as a Variant of Uncertain Significance.

Ambry Genetics
Classification: Uncertain significance for Inborn genetic diseases. Last evaluated: 2022-07-19. Review status: criteria provided, single submitter. Criteria: Ambry Variant Classification Scheme 2023. Collection method: clinical testing. Allele origin: germline.